The following is an entry in ClinVar:

ClinVar aggregate classification (germline): Uncertain significance (1 of 4 stars; one submission).

Conditions:
Early-infantile DEE. Also called: Early infantile epileptic encephalopathy; Ohtahara syndrome; Early infantile epileptic encephalopathy with suppression bursts. Identifiers: Orphanet 1934, MedGen C0393706, MONDO:0800491.

Submission:

Labcorp Genetics (formerly Invitae), Labcorp
Classification: Uncertain significance for Early-infantile DEE. Last evaluated: 2025-06-30. Review status: criteria provided, single submitter. Criteria: Invitae Variant Classification Sherloc (09022015). Collection method: clinical testing. Allele origin: germline.
Comment: This sequence change replaces glycine, which is neutral and non-polar, with glutamic acid, which is acidic and polar, at codon 3 of the HCN1 protein (p.Gly3Glu). The frequency data for this variant in the population databases is considered unreliable, as metrics indicate poor data quality at this position in the gnomAD database. This variant has not been reported in the literature in individuals affected with HCN1-related conditions. Invitae Evidence Modeling of protein sequence and biophysical properties (such as structural, functional, and spatial information, amino acid conservation, physicochemical variation, residue mobility, and thermodynamic stability) has been performed for this missense variant. However, the output from this modeling did not meet the statistical confidence thresholds required to predict the impact of this variant on HCN1 protein function. In summary, the available evidence is currently insufficient to determine the role of this variant in disease. Therefore, it has been classified as a Variant of Uncertain Significance.

NM_021072.4(HCN1):c.8G>A (p.Gly3Glu)

Gene: HCN1 (hyperpolarization activated cyclic nucleotide gated potassium channel 1; minus strand). Cytogenetic location: 5p12.
Variant type: single nucleotide variant.
Coding change: c.8G>A on transcript NM_021072.4 (MANE Select); coding-DNA position 8, G replaced by A.
Protein change: p.Gly3Glu; replaces glycine 3 with glutamic acid.
Molecular consequence: missense variant.
Genome position (GRCh38, 1-based): chr5:45,696,086, C>T on the plus strand (G>A on the coding strand, the complement: HCN1 is on the minus strand). VCF-style: chr5-45696086-C-T. GRCh37 (hg19) VCF-style: chr5-45696188-C-T.
Other names: short protein forms G3E.
Identifiers: ClinVar variation 4715336 (VCV004715336.1).
Genomic context (GRCh38, chr5:45,696,086, plus strand): 5'-GCGGGGAAGACGCTGTTGCCATCGTCCCGGCTGTTAGACGAAGAGTTGGGCTTGCCGCCT[C>T]CTTCCATGCCCGGAGGACGCGGCCGGCGACGGCGCGGGCTCCAGACTCGCCGGCCGCCCG-3'
Protein context (NP_066550.2, residues 1-13): ME[Gly3Glu]GGKPNSSSNS